The following is an entry in ClinVar:

ClinVar aggregate classification (germline): Uncertain significance (1 of 4 stars; one submission).

Allele frequency attached by ClinVar (database versions not stated): gnomAD 0.00001 and 0.00002; TOPMed 0.00001.
gnomAD v4.1: 94 of 1,613,218 alleles (0.0058%); highest among the groups gnomAD compares: Non-Finnish European, 0.008%; no homozygotes.

Submission:

GeneDx
Classification: Uncertain significance. Last evaluated: 2022-08-16. Review status: criteria provided, single submitter. Criteria: GeneDx Variant Classification Process June 2021. Collection method: clinical testing. Allele origin: germline. Affected: yes.
Comment: Not observed at significant frequency in large population cohorts (gnomAD); In silico analysis supports that this missense variant has a deleterious effect on protein structure/function; Has not been previously published as pathogenic or benign to our knowledge

NM_003737.4(DCHS1):c.7481A>C (p.Asp2494Ala)

Gene: DCHS1 (dachsous cadherin-related 1; minus strand). Cytogenetic location: 11p15.4.
Variant type: single nucleotide variant.
Coding change: c.7481A>C on transcript NM_003737.4 (MANE Select); coding-DNA position 7481, A replaced by C.
Protein change: p.Asp2494Ala; replaces aspartic acid 2494 with alanine.
Molecular consequence: missense variant.
Genome position (GRCh38, 1-based): chr11:6,624,195, T>G on the plus strand (A>C on the coding strand, the complement: DCHS1 is on the minus strand). VCF-style: chr11-6624195-T-G. GRCh37 (hg19) VCF-style: chr11-6645426-T-G.
Other names: short protein forms D2494A.
Identifiers: ClinVar variation 426123 (VCV000426123.4), dbSNP rs1085307456, ClinGen allele CA379482993.